The following is an entry in ClinVar:

ClinVar aggregate classification (germline): Pathogenic (1 of 4 stars; one submission).

Conditions:
Neuronal ceroid lipofuscinosis. Also called: Neuronal Ceroid Lipofuscinoses. Identifiers: Orphanet 216, Orphanet 79263, MedGen C0027877, MONDO:0016295. Disease mechanism: loss of function.

Submission:

Labcorp Genetics (formerly Invitae), Labcorp
Classification: Pathogenic for Neuronal ceroid lipofuscinosis. Last evaluated: 2019-11-26. Review status: criteria provided, single submitter. Criteria: Invitae Variant Classification Sherloc (09022015). Collection method: clinical testing. Allele origin: germline.
Comment: This variant is a gross deletion of the genomic region encompassing exons 10-16 of the CLN3 gene. The 5' boundary is likely confined to intron 9. The 3' end of this event is unknown as it extends through the termination codon beyond the assayed region for this gene and may encompass additional genes. While this deletion is not anticipated to result in nonsense mediated decay, it is expected to create a truncated protein product or disrupt mRNA translation. This variant has been observed in individual(s) with clinical features of retinitis pigmentosa (Invitae). In at least one individual the data is consistent with the variant being in trans (on the opposite chromosome) from a pathogenic variant. This variant disrupts the p.Arg405 amino acid residue in CLN3. Other variant(s) that disrupt this residue have been determined to be pathogenic (PMID: 28041643, 24154662, 26766544, 28559085). This suggests that this residue is clinically significant, and that variants that disrupt this residue are likely to be disease-causing. For these reasons, this variant has been classified as Pathogenic.

Literature cited by the submitters: PubMed 24154662; PubMed 28559085; PubMed 28041643; PubMed 26766544.

NC_000016.10:g.(?_28475343)_(28484138_?)del

Gene: CLN3 (CLN3 lysosomal/endosomal transmembrane protein, battenin; minus strand). Cytogenetic location: 16p11.2.
Variant type: Deletion.
Identifiers: ClinVar variation 833507 (VCV000833507.1).